The following is an entry in ClinVar:

ClinVar aggregate classification (germline): Likely pathogenic (1 of 4 stars; one submission).

Conditions:
Neuromuscular disease caused by qualitative or quantitative defects of dysferlin. Also called: Qualitative or quantitative defects of dysferlin; Dysferlinopathy. Identifiers: Orphanet 207073, MedGen C2931687, MONDO:0016145.

Submission:

Labcorp Genetics (formerly Invitae), Labcorp
Classification: Likely pathogenic for Neuromuscular disease caused by qualitative or quantitative defects of dysferlin. Last evaluated: 2023-10-14. Review status: criteria provided, single submitter. Criteria: Invitae Variant Classification Sherloc (09022015). Collection method: clinical testing. Allele origin: germline.
Comment: This sequence change affects a donor splice site in intron 39 of the DYSF gene. It is expected to disrupt RNA splicing. Variants that disrupt the donor or acceptor splice site typically lead to a loss of protein function (PMID: 16199547), and loss-of-function variants in DYSF are known to be pathogenic (PMID: 17698709, 20301480). This variant is not present in population databases (gnomAD no frequency). Disruption of this splice site has been observed in individual(s) with DYSF-related conditions (PMID: 36580222). This variant is also known as c.4387+2T>A. Algorithms developed to predict the effect of sequence changes on RNA splicing suggest that this variant may disrupt the consensus splice site. In summary, the currently available evidence indicates that the variant is pathogenic, but additional data are needed to prove that conclusively. Therefore, this variant has been classified as Likely Pathogenic.

Literature cited by the submitters: PubMed 16199547; PubMed 17698709; PubMed 20301480; PubMed 36580222.

NM_001130987.2(DYSF):c.4387+2T>G

Gene: DYSF (dysferlin; plus strand). Cytogenetic location: 2p13.2.
Variant type: single nucleotide variant.
Coding change: c.4387+2T>G on transcript NM_001130987.2 (MANE Select); the canonical splice donor site of the intron after coding-DNA position 4387, T replaced by G.
Molecular consequence: splice donor variant.
Genome position (GRCh38, 1-based): chr2:71,612,808, T>G. VCF-style: chr2-71612808-T-G. GRCh37 (hg19) VCF-style: chr2-71839938-T-G.
Other names: c.4426+2T>G (NM_001130979.2); c.4384+2T>G (NM_001130981.2, NM_001130980.2); c.4333+2T>G (NM_001130978.2, NM_003494.4); c.4291+2T>G (NM_001130977.2, NM_001130976.2); c.4387+2T>G (NM_001130985.2); c.4336+2T>G (NM_001130983.2, NM_001130455.2); c.4294+2T>G (NM_001130984.2, NM_001130986.2); c.4429+2T>G (NM_001130982.2).
Identifiers: ClinVar variation 2827230 (VCV002827230.3), dbSNP rs759939755, ClinGen allele CA347229510.